The following is an entry in ClinVar:

ClinVar aggregate classification (germline): Conflicting classifications of pathogenicity. Review status: criteria provided, conflicting classifications (1 of 4 stars). 3 submissions from 3 submitters: Pathogenic (2); Uncertain significance (1). Last evaluated 2025-06-20.

Conditions:
APOA5-related disorder. Also called: APOA5-related condition.
Cardiovascular phenotype. Identifiers: MedGen CN230736.

Allele frequency attached by ClinVar (database versions not stated): gnomAD exomes below 0.00001 and 0.00001.

Submissions (3):

PreventionGenetics, part of Exact Sciences
Classification: Pathogenic for APOA5-related condition. Last evaluated: 2025-06-20. Review status: criteria provided, single submitter. Criteria: ACMG Guidelines, 2015. Collection method: clinical testing. Allele origin: germline.
Comment: The APOA5 c.111delC variant is predicted to result in a frameshift and premature protein termination (p.Asp37Glufs*20). This variant has been reported in the homozygous state in an individual with hypertriglyceridemia (Theodoropoulos et al. 2024. PubMed ID: 39734502). This variant is reported in 0.0064% of alleles in individuals of African descent in gnomAD. Frameshift variants in APOA5 are expected to be pathogenic. This variant is interpreted as pathogenic.

Ambry Genetics
Classification: Pathogenic for Cardiovascular phenotype. Last evaluated: 2022-06-21. Review status: criteria provided, single submitter. Criteria: Ambry Variant Classification Scheme 2023. Collection method: clinical testing. Allele origin: germline.
Comment: The c.111delC (p.D37Efs*20) alteration, located in exon 3 (coding exon 2) of the APOA5 gene, consists of a deletion of one nucleotide at position 111, causing a translational frameshift with a predicted alternate stop codon after 20 amino acids. This alteration occurs at the 3&rsquo; terminus of the APOA5 gene and is not expected to trigger nonsense-mediated mRNA decay. However, premature stop codons are typically deleterious in nature, and this variant results in the loss of approximately 89% of the protein, including a C-terminal domain that has been implicated in lipid binding (Sun, 2006). Based on data from gnomAD, the c.111delC allele has an overall frequency of <0.01% (2/242778) total alleles studied. The highest observed frequency was 0.01% (1/15516) of African alleles. Based on the available evidence, this alteration is classified as pathogenic.

Labcorp Genetics (formerly Invitae), Labcorp
Classification: Uncertain significance. Last evaluated: 2021-08-15. Review status: criteria provided, single submitter. Criteria: Invitae Variant Classification Sherloc (09022015). Collection method: clinical testing. Allele origin: germline.
Comment: This sequence change creates a premature translational stop signal (p.Asp37Glufs*20) in the APOA5 gene. While this is not anticipated to result in nonsense mediated decay, it is expected to disrupt the last 330 amino acid(s) of the APOA5 protein. This variant is not present in population databases (ExAC no frequency). This variant has not been reported in the literature in individuals affected with APOA5-related conditions. In summary, the available evidence is currently insufficient to determine the role of this variant in disease. Therefore, it has been classified as a Variant of Uncertain Significance.

Literature cited by the submitters: PubMed 16806135 (cited by Ambry Genetics).

NM_001371904.1(APOA5):c.111del (p.Asp37fs)

Genes: APOA5 (apolipoprotein A5; minus strand), LOC108491825 (enhancer-blocking element 11-1-2 overlapping APOA5; plus strand). Cytogenetic location: 11q23.3.
Variant type: Deletion.
Coding change: c.111del on transcript NM_001371904.1 (MANE Select); coding-DNA position 111, one base deleted (C; older notation c.111delC).
Protein change: p.Asp37fs; shifts the reading frame from aspartic acid 37.
Molecular consequence: frameshift variant.
Genome position (GRCh38, 1-based): chr11:116,791,636, G deleted on the plus strand (C on the coding strand, the reverse complement: APOA5 is on the minus strand). VCF-style (leftmost placement, unchanged base first): chr11-116791635-TG-T. GRCh37 (hg19) VCF-style: chr11-116662351-TG-T.
Other names: c.111delC (NM_052968.4); c.111del, p.Asp37fs (NM_001166598.2, NM_052968.5); short protein forms D37fs.
Identifiers: ClinVar variation 1428390 (VCV001428390.8), dbSNP rs1365337213, ClinGen allele CA602136390.
Genomic context (GRCh38, chr11:116,791,635, plus strand): 5'-TGGGCACTCACGCGGGCTCGCGAGCCATCTTCTGCTGATGGATCTGCTCCACCCTGCCTT[TG>T]TCCCCGCTGGTCTGGCTGAAGTAGTCCCAGAAGCCTTTCCGTGCCTGGGTGGCCGAAAAC-3'